The following is an entry in ClinVar:

ClinVar aggregate classification (germline): Uncertain significance (1 of 4 stars; one submission).

Submission:

CeGaT Center for Human Genetics Tuebingen
Classification: Uncertain significance. Last evaluated: 2022-09-01. Review status: criteria provided, single submitter. Criteria: CeGaT Center For Human Genetics Tuebingen Variant Classification Criteria Version 2. Collection method: clinical testing. Allele origin: germline. Affected: yes. Observed: 1 variant allele.
Comment: BPTF: PM2, PP2

NM_182641.4(BPTF):c.343A>C (p.Thr115Pro)

Gene: BPTF (bromodomain PHD finger transcription factor; plus strand). Cytogenetic location: 17q24.2.
Variant type: single nucleotide variant.
Coding change: c.343A>C on transcript NM_182641.4 (MANE Select); coding-DNA position 343, A replaced by C.
Protein change: p.Thr115Pro; replaces threonine 115 with proline.
Molecular consequence: missense variant.
Genome position (GRCh38, 1-based): chr17:67,826,067, A>C. VCF-style: chr17-67826067-A-C. GRCh37 (hg19) VCF-style: chr17-65822183-A-C.
Other names: c.343A>C, p.Thr115Pro (NM_004459.7); short protein forms T115P.
Identifiers: ClinVar variation 2648123 (VCV002648123.24), dbSNP rs2509394364, ClinGen allele CA400715748.